The following is an entry in ClinVar:

NM_130839.5(UBE3A):c.199A>G (p.Ile67Val)

Genes: SNHG14 (small nucleolar RNA host gene 14; plus strand), UBE3A (ubiquitin protein ligase E3A; minus strand). Cytogenetic location: 15q11.2.
Variant type: single nucleotide variant.
Coding change: c.199A>G on transcript NM_130839.5 (MANE Select); coding-DNA position 199, A replaced by G.
Protein change: p.Ile67Val; replaces isoleucine 67 with valine.
Molecular consequence: missense variant. On other transcripts: non-coding transcript variant (1).
Genome position (GRCh38, 1-based): chr15:25,375,627, T>C on the plus strand (A>G on the coding strand, the complement: UBE3A is on the minus strand). VCF-style: chr15-25375627-T-C. GRCh37 (hg19) VCF-style: chr15-25620774-T-C.
Other names: p.I67V:ATT>GTT; NM_130839.5(UBE3A):c.199A>G; p.Ile67Val; c.208A>G, p.Ile70Val (NM_000462.5); c.199A>G, p.Ile67Val (NM_001354505.1, NM_001354538.2, NM_001354545.2 and 1 more transcripts); c.139A>G, p.Ile47Val (NM_001354506.2, NM_001354507.2, NM_001354508.2 and 18 more transcripts); c.22A>G, p.Ile8Val (NM_001354546.2); short protein forms I47V, I67V, I70V, I8V.
Identifiers: ClinVar variation 156677 (VCV000156677.5), dbSNP rs587783146, ClinGen allele CA294734.
Genomic context (GRCh38, chr15:25,375,627, plus strand): 5'-TCTTGGAGGGATGAGGATCACAGAGTTTTGCATTAATCTTATAAAGCTCGAGGGCTTTAA[T>C]AGCTGCTGCATTATTATCCATACGAAGAAAAGTTGGACAGGAAGCACAAAACTCATTCGT-3'
Protein context (NP_570854.1, residues 57-77): FLRMDNNAAA[Ile67Val]KALELYKINA

ClinVar aggregate classification (germline): Uncertain significance. Review status: reviewed by expert panel (3 of 4 stars). 3 submissions from 3 submitters: Uncertain significance (1). 2 of the submissions do not count toward it. Last evaluated 2022-06-30.

Conditions:
Inborn genetic diseases. Identifiers: MedGen C0950123, MeSH D030342.
Angelman syndrome (AS). Also called: HAPPY PUPPET SYNDROME. Identifiers: Orphanet 72, MedGen C0162635, MONDO:0007113, OMIM 105830. Disease mechanism: loss of function. Inheritance: AS is caused by disruption of maternally imprinted UBE3A located within the 15q11.2-q13 Angelman syndrome/Prader-Willi syndrome (AS/PWS) region., imprinting disorder.

Allele frequency attached by ClinVar (database versions not stated): gnomAD exomes below 0.00001; ExAC 0.00001.
gnomAD v4.1: 2 of 1,614,192 alleles (0.00012%); highest among the groups gnomAD compares: East Asian, 0.0022%; no homozygotes.

Submissions (3):

ClinGen Rett and Angelman-like Disorders Variant Curation Expert Panel
Classification: Uncertain significance for Angelman syndrome. Last evaluated: 2022-06-30. Review status: reviewed by expert panel. Criteria: ClinGen RettAS ACMG Specifications V2. Collection method: curation. Allele origin: germline. Inheritance: Autosomal dominant inheritance.
Comment: The c.139A>G p.(Ile47Val) variant in UBE3A (NM_130838.2) is present in gnomAD v2.1.1 at a frequency of 0.00088% in the European non-Finnish sub population (no criteria met). The p.(Ile47Val) variant has been observed in at least 3 individuals with neurodevelopmental phenotypes consistent with UBE3A-related disease (ClinVar SCV000191055.4, SCV001445014.1); however, PS4 cannot be applied due to the gnomAD frequency. Computational analysis prediction tools suggest that the p.(Ile47Val) variant does not have a deleterious impact; however this information does not predict clinical significance on its own (BP4). In summary, the c.139A>G p.(Ile47Val) variant in UBE3A is classified as a Variant of Uncertain Significance based on the ACMG/AMP criteria (BP4).

Ambry Genetics
Classification: Uncertain significance for Inborn genetic diseases. Last evaluated: 2017-11-15. Review status: criteria provided, single submitter. Criteria: Ambry exome assertion method (8-5-2015). Collection method: clinical testing. Allele origin: germline. Affected: yes. Observed: 1 variant allele. Not counted in ClinVar's aggregate classification.

GeneDx
Classification: Likely pathogenic. Last evaluated: 2017-11-09. Review status: criteria provided, single submitter. Criteria: GeneDx Variant Classification (06012015). Collection method: clinical testing. Allele origin: germline. Affected: yes. Not counted in ClinVar's aggregate classification.
Comment: A variant that is likely pathogenic has been identified in the UBE3A gene. The I67V variant has not been published as a pathogenic variant, nor has it been reported as a benign polymorphism to our knowledge. It was not observed in approximately 6,500 individuals of European and African American ancestry in the NHLBI Exome Sequencing Project, indicating it is not a common benign variant in these populations. This substitution occurs at a position that is conserved in mammals but is not conserved in more distant species. The I67V variant is a conservative amino acid substitution, which is not likely to impact secondary protein structure as these residues share similar properties. In silico analysis predicts this variant likely does not alter the protein structure/function. However, targeted parental testing indicates this variant is apparently de novo. Therefore, this variant is likely pathogenic; however, the possibility that it is benign cannot be excluded.